The following is an entry in ClinVar:

ClinVar aggregate classification (germline): Uncertain significance (1 of 4 stars; one submission).

Conditions:
Hereditary cancer-predisposing syndrome. Also called: Neoplastic Syndromes, Hereditary; Tumor predisposition; Hereditary Cancer Syndrome; Hereditary neoplastic syndrome. Identifiers: Orphanet 140162, MedGen C0027672, MeSH D009386, MONDO:0015356.

Submission:

Ambry Genetics
Classification: Uncertain significance for Hereditary cancer-predisposing syndrome. Last evaluated: 2015-10-15. Review status: criteria provided, single submitter. Criteria: Ambry Variant Classification Scheme 2023. Collection method: clinical testing. Allele origin: germline.
Comment: The p.P2381T variant (also known as c.7141C>A), located in coding exon 13 of the BRCA2 gene, results from a C to A substitution at nucleotide position 7141. The proline at codon 2381 is replaced by threonine, an amino acid with highly similar properties. This variant was not reported in population based cohorts in the following databases: Database of Single Nucleotide Polymorphisms (dbSNP), NHLBI Exome Sequencing Project (ESP), and 1000 Genomes Project. In the ESP, this variant was not observed in 6503 samples (13006 alleles) with coverage at this position. To date, this alteration has been detected with an allele frequency of approximately 0.001% (greater than 150000 alleles tested) in our clinical cohort. This amino acid position is not well conserved in available vertebrate species. In addition, the in silico prediction for this alteration is inconclusive. Since supporting evidence is limited at this time, the clinical significance of p.P2381T remains unclear.

NM_000059.4(BRCA2):c.7141C>A (p.Pro2381Thr)

Gene: BRCA2 (BRCA2 DNA repair associated; plus strand). Cytogenetic location: 13q13.1.
Variant type: single nucleotide variant.
Coding change: c.7141C>A on transcript NM_000059.4 (MANE Select); coding-DNA position 7141, C replaced by A.
Protein change: p.Pro2381Thr; replaces proline 2381 with threonine.
Molecular consequence: missense variant.
Genome position (GRCh38, 1-based): chr13:32,354,994, C>A. VCF-style: chr13-32354994-C-A. GRCh37 (hg19) VCF-style: chr13-32929131-C-A.
Other names: c.7045C>A, p.Pro2349Thr (NM_001406719.1); c.7141C>A, p.Pro2381Thr (NM_001406720.1); c.2209C>A, p.Pro737Thr (NM_001406721.1); c.724C>A, p.Pro242Thr (NM_001406722.1); short protein forms P2381T, P242T, P2349T, P737T.
Identifiers: ClinVar variation 1757354 (VCV001757354.2), dbSNP rs777305503, ClinGen allele CA387738989.